The following is an entry in ClinVar:

NM_000257.4(MYH7):c.3690C>A (p.Asp1230Glu)

Gene: MYH7 (myosin heavy chain 7; minus strand). Cytogenetic location: 14q11.2.
Variant type: single nucleotide variant.
Coding change: c.3690C>A on transcript NM_000257.4 (MANE Select); coding-DNA position 3690, C replaced by A.
Protein change: p.Asp1230Glu; replaces aspartic acid 1230 with glutamic acid.
Molecular consequence: missense variant.
Genome position (GRCh38, 1-based): chr14:23,419,881, G>T on the plus strand (C>A on the coding strand, the complement: MYH7 is on the minus strand). VCF-style: chr14-23419881-G-T. GRCh37 (hg19) VCF-style: chr14-23889090-G-T.
Other names: short protein forms D1230E.
Identifiers: ClinVar variation 864255 (VCV000864255.13), dbSNP rs370750044, ClinGen allele CA389043022.

ClinVar aggregate classification (germline): Uncertain significance. Review status: criteria provided, multiple submitters, no conflicts (2 of 4 stars). 4 submissions from 4 submitters: Uncertain significance (4). Last evaluated 2024-10-21.

Conditions:
Cardiovascular phenotype. Identifiers: MedGen CN230736.
Cardiomyopathy (CMYO). Also called: Cardiomyopathies. Identifiers: Orphanet 167848, MedGen C0878544, MONDO:0004994, HP:0001638. Inheritance: Various modes of inheritance.
Hypertrophic cardiomyopathy. Also called: HYPERTROPHIC MYOCARDIOPATHY. Identifiers: Orphanet 217569, MedGen C0007194, MeSH D002312, MONDO:0005045, HP:0001639.

gnomAD v4.1: 1 of 1,613,704 alleles (0.000062%); highest among the groups gnomAD compares: Non-Finnish European, 0.000085%; no homozygotes.

Submissions (4):

Ambry Genetics
Classification: Uncertain significance for Cardiovascular phenotype. Last evaluated: 2024-10-21. Review status: criteria provided, single submitter. Criteria: Ambry Variant Classification Scheme 2023. Collection method: clinical testing. Allele origin: germline.
Comment: The p.D1230E variant (also known as c.3690C>A), located in coding exon 25 of the MYH7 gene, results from a C to A substitution at nucleotide position 3690. The aspartic acid at codon 1230 is replaced by glutamic acid, an amino acid with highly similar properties. This variant has been reported in a hypertrophic cardiomyopathy (HCM) and biobank cohort (Homburger JR et al. Proc Natl Acad Sci U S A, 2016 Jun;113:6701-6; Park J et al. Hum Mol Genet, 2022 Mar;31:827-837). This amino acid position is highly conserved in available vertebrate species. In addition, this alteration is predicted to be tolerated by in silico analysis. Based on the available evidence, the clinical significance of this variant remains unclear.

All of Us Research Program, National Institutes of Health
Classification: Uncertain significance for Cardiomyopathy. Last evaluated: 2024-05-14. Review status: criteria provided, single submitter. Criteria: ACMG Guidelines, 2015. Collection method: clinical testing. Allele origin: germline. Inheritance: Autosomal dominant inheritance. Observed: 1 variant allele, 1 heterozygote.
Comment: This missense variant replaces aspartic acid with glutamic acid at codon 1230 of the MYH7 protein. Computational prediction tools indicate that this variant has a deleterious impact on protein structure and function. To our knowledge, functional studies have not been reported for this variant. This variant has been reported in one individual affected with left ventricular noncompaction (PMID: 38380180). This variant has not been identified in the general population by the Genome Aggregation Database (gnomAD). The available evidence is insufficient to determine the role of this variant in disease conclusively. Therefore, this variant is classified as a Variant of Uncertain Significance.

This study involves interpretation of variants in research participants for the purpose of population health screening. Participant phenotype was not available at the time of variant classification. Additional details can be found in publication PMID: 35346344, PMCID: PMC8962531

Color Diagnostics, LLC DBA Color Health
Classification: Uncertain significance for Cardiomyopathy. Last evaluated: 2024-04-23. Review status: criteria provided, single submitter. Criteria: ACMG Guidelines, 2015. Collection method: clinical testing. Allele origin: germline.
Comment: This missense variant replaces aspartic acid with glutamic acid at codon 1230 of the MYH7 protein. Computational prediction tools indicate that this variant has a deleterious impact on protein structure and function. To our knowledge, functional studies have not been reported for this variant. This variant has been reported in one individual affected with left ventricular noncompaction (PMID: 38380180). This variant has not been identified in the general population by the Genome Aggregation Database (gnomAD). The available evidence is insufficient to determine the role of this variant in disease conclusively. Therefore, this variant is classified as a Variant of Uncertain Significance.

Labcorp Genetics (formerly Invitae), Labcorp
Classification: Uncertain significance for Hypertrophic cardiomyopathy. Last evaluated: 2023-11-27. Review status: criteria provided, single submitter. Criteria: Invitae Variant Classification Sherloc (09022015). Collection method: clinical testing. Allele origin: germline.
Comment: This sequence change replaces aspartic acid, which is acidic and polar, with glutamic acid, which is acidic and polar, at codon 1230 of the MYH7 protein (p.Asp1230Glu). This variant is not present in population databases (gnomAD no frequency). This variant has not been reported in the literature in individuals affected with MYH7-related conditions. ClinVar contains an entry for this variant (Variation ID: 864255). Advanced modeling of protein sequence and biophysical properties (such as structural, functional, and spatial information, amino acid conservation, physicochemical variation, residue mobility, and thermodynamic stability) performed at Invitae indicates that this missense variant is expected to disrupt MYH7 protein function with a positive predictive value of 80%. In summary, the available evidence is currently insufficient to determine the role of this variant in disease. Therefore, it has been classified as a Variant of Uncertain Significance.

Literature cited by the submitters: PubMed 27247418 (cited by Ambry Genetics); PubMed 34542152 (cited by Ambry Genetics); PubMed 38380180 (cited by All of Us Research Program, National Institutes of Health and Color Diagnostics, LLC DBA Color Health).